The following is an entry in ClinVar:

NM_004859.4(CLTC):c.2912T>G (p.Ile971Ser)

Gene: CLTC (clathrin heavy chain; plus strand). Cytogenetic location: 17q23.1.
Variant type: single nucleotide variant.
Coding change: c.2912T>G on transcript NM_004859.4 (MANE Select); coding-DNA position 2912, T replaced by G.
Protein change: p.Ile971Ser; replaces isoleucine 971 with serine.
Molecular consequence: missense variant.
Genome position (GRCh38, 1-based): chr17:59,679,512, T>G. VCF-style: chr17-59679512-T-G. GRCh37 (hg19) VCF-style: chr17-57756873-T-G.
Other names: c.2924T>G, p.Ile975Ser (NM_001288653.2); c.2924T>G (NM_001288653.1); short protein forms I971S, I975S.
Identifiers: ClinVar variation 2746876 (VCV002746876.4), dbSNP rs2509147616, ClinGen allele CA400416551.

ClinVar aggregate classification (germline): Uncertain significance. Review status: criteria provided, multiple submitters, no conflicts (2 of 4 stars). 2 submissions from 2 submitters: Uncertain significance (2). Last evaluated 2025-07-09.

Submissions (2):

GeneDx
Classification: Uncertain significance. Last evaluated: 2025-07-09. Review status: criteria provided, single submitter. Criteria: GeneDx Variant Classification Process June 2021. Collection method: clinical testing. Allele origin: germline. Affected: yes.
Comment: Not observed at significant frequency in large population cohorts (gnomAD); In silico analysis supports that this missense variant has a deleterious effect on protein structure/function; Has not been previously published as pathogenic or benign to our knowledge

Labcorp Genetics (formerly Invitae), Labcorp
Classification: Uncertain significance. Last evaluated: 2023-07-25. Review status: criteria provided, single submitter. Criteria: Invitae Variant Classification Sherloc (09022015). Collection method: clinical testing. Allele origin: germline.
Comment: Advanced modeling of protein sequence and biophysical properties (such as structural, functional, and spatial information, amino acid conservation, physicochemical variation, residue mobility, and thermodynamic stability) performed at Invitae indicates that this missense variant is expected to disrupt CLTC protein function. This variant has not been reported in the literature in individuals affected with CLTC-related conditions. This variant is not present in population databases (gnomAD no frequency). This sequence change replaces isoleucine, which is neutral and non-polar, with serine, which is neutral and polar, at codon 975 of the CLTC protein (p.Ile975Ser). In summary, the available evidence is currently insufficient to determine the role of this variant in disease. Therefore, it has been classified as a Variant of Uncertain Significance.